The following is an entry in ClinVar:

NM_000052.7(ATP7A):c.1244G>A (p.Ser415Asn)

Gene: ATP7A (ATPase copper transporting alpha; plus strand). Cytogenetic location: Xq21.1.
Variant type: single nucleotide variant.
Coding change: c.1244G>A on transcript NM_000052.7 (MANE Select); coding-DNA position 1244, G replaced by A.
Protein change: p.Ser415Asn; replaces serine 415 with asparagine.
Molecular consequence: missense variant.
Genome position (GRCh38, 1-based): chrX:77,989,866, G>A. VCF-style: chrX-77989866-G-A. GRCh37 (hg19) VCF-style: chrX-77245362-G-A.
Other names: c.1244G>A, p.Ser415Asn (NM_001282224.2); short protein forms S415N.
Identifiers: ClinVar variation 4993469 (VCV004993469.1).

ClinVar aggregate classification (germline): Uncertain significance (1 of 4 stars; one submission).

Conditions:
ATP7A-related disorder. Also called: ATP7A-related condition.

Submission:

PreventionGenetics, part of Exact Sciences
Classification: Uncertain significance for ATP7A-related condition. Last evaluated: 2025-12-03. Review status: criteria provided, single submitter. Criteria: ACMG Guidelines, 2015. Collection method: clinical testing. Allele origin: germline.
Comment: The ATP7A c.1244G>A variant is predicted to result in the amino acid substitution p.Ser415Asn. To our knowledge, this variant has not been reported in the literature or in a large population database (gnomAD), indicating this variant is rare. At this time, the clinical significance of this variant is uncertain due to the absence of conclusive functional and genetic evidence.